The following is an entry in ClinVar:

NM_015272.5(RPGRIP1L):c.3887T>A (p.Val1296Asp)

Gene: RPGRIP1L (RPGRIP1 like; minus strand). Cytogenetic location: 16q12.2.
Variant type: single nucleotide variant.
Coding change: c.3887T>A on transcript NM_015272.5 (MANE Select); coding-DNA position 3887, T replaced by A.
Protein change: p.Val1296Asp; replaces valine 1296 with aspartic acid.
Molecular consequence: missense variant.
Genome position (GRCh38, 1-based): chr16:53,602,137, A>T on the plus strand (T>A on the coding strand, the complement: RPGRIP1L is on the minus strand). VCF-style: chr16-53602137-A-T. GRCh37 (hg19) VCF-style: chr16-53636049-A-T.
Other names: c.3647T>A, p.Val1216Asp (NM_001127897.4); c.3749T>A, p.Val1250Asp (NM_001308334.3); c.3785T>A, p.Val1262Asp (NM_001330538.2); short protein forms V1296D, V1216D, V1250D, V1262D.
Identifiers: ClinVar variation 2053843 (VCV002053843.4), dbSNP rs946895541, ClinGen allele CA281348033.
Genomic context (GRCh38, chr16:53,602,137, plus strand): 5'-CAAGCCTCCAAGTCATCTCTGTATTGCTTGTAGACAGACTGGAGGGCATGGAGAGCTTCG[A>T]CTGTTACCCTGAGCTTGCCAATACCTTCACCATCTGCTCGTGCATCAAAAACTAGGGAGA-3'
Protein context (NP_056087.2, residues 1286-1306): GEGIGKLRVT[Val1296Asp]EALHALQSVY

ClinVar aggregate classification (germline): Uncertain significance (1 of 4 stars; one submission).

Conditions:
Joubert syndrome. Also called: CEREBELLOPARENCHYMAL DISORDER IV; JOUBERT-BOLTSHAUSER SYNDROME; Familial aplasia of the vermis. Identifiers: Orphanet 475, MedGen C5979921, MONDO:0018772.
Meckel-Gruber syndrome. Also called: DYSENCEPHALIA SPLANCHNOCYSTICA; GRUBER SYNDROME; Dysencephalia splachnocystica. Identifiers: Orphanet 564, MedGen C0265215, MONDO:0018921.

Submission:

Labcorp Genetics (formerly Invitae), Labcorp
Classification: Uncertain significance for Joubert syndrome; Meckel-Gruber syndrome. Last evaluated: 2024-10-26. Review status: criteria provided, single submitter. Criteria: Invitae Variant Classification Sherloc (09022015). Collection method: clinical testing. Allele origin: germline.
Comment: This sequence change replaces valine, which is neutral and non-polar, with aspartic acid, which is acidic and polar, at codon 1296 of the RPGRIP1L protein (p.Val1296Asp). This variant is not present in population databases (gnomAD no frequency). This variant has not been reported in the literature in individuals affected with RPGRIP1L-related conditions. ClinVar contains an entry for this variant (Variation ID: 2053843). Invitae Evidence Modeling of protein sequence and biophysical properties (such as structural, functional, and spatial information, amino acid conservation, physicochemical variation, residue mobility, and thermodynamic stability) indicates that this missense variant is expected to disrupt RPGRIP1L protein function with a positive predictive value of 80%. In summary, the available evidence is currently insufficient to determine the role of this variant in disease. Therefore, it has been classified as a Variant of Uncertain Significance.